The following is an entry in ClinVar:

ClinVar aggregate classification (germline): Conflicting classifications of pathogenicity. Review status: criteria provided, conflicting classifications (1 of 4 stars). 3 submissions from 3 submitters: Uncertain significance (1); Likely benign (2). Last evaluated 2025-12-29.

Allele frequency attached by ClinVar (database versions not stated): gnomAD exomes 0.00008 and 0.00010; TOPMed 0.00008; gnomAD 0.00005 and 0.00006; ExAC 0.00013; ESP Exome Variant Server 0.00016.
gnomAD v4.1: 150 of 1,582,048 alleles (0.0095%); highest among the groups gnomAD compares: Non-Finnish European, 0.012%; 1 homozygote.

Submissions (3):

Labcorp Genetics (formerly Invitae), Labcorp
Classification: Uncertain significance. Last evaluated: 2025-12-29. Review status: criteria provided, single submitter. Criteria: Invitae Variant Classification Sherloc (09022015). Collection method: clinical testing. Allele origin: germline.
Comment: This sequence change replaces glycine, which is neutral and non-polar, with serine, which is neutral and polar, at codon 480 of the PLEKHM2 protein (p.Gly480Ser). This variant is present in population databases (rs376758113, gnomAD 0.02%). This variant has not been reported in the literature in individuals affected with PLEKHM2-related conditions. ClinVar contains an entry for this variant (Variation ID: 567383). An algorithm developed to predict the effect of missense changes on protein structure and function outputs the following: PolyPhen-2: "Benign". The serine amino acid residue is found in multiple mammalian species, which suggests that this missense change does not adversely affect protein function. In summary, the available evidence is currently insufficient to determine the role of this variant in disease. Therefore, it has been classified as a Variant of Uncertain Significance.

Blueprint Genetics
Classification: Likely benign. Last evaluated: 2024-10-24. Review status: criteria provided, single submitter. Criteria: ACMG Guidelines, 2015. Collection method: clinical testing. Allele origin: germline.

Ambry Genetics
Classification: Likely benign. Last evaluated: 2023-10-30. Review status: criteria provided, single submitter. Criteria: Ambry Variant Classification Scheme 2023. Collection method: clinical testing. Allele origin: germline.

NM_015164.4(PLEKHM2):c.1438G>A (p.Gly480Ser)

Gene: PLEKHM2 (pleckstrin homology and RUN domain containing M2; plus strand). Cytogenetic location: 1p36.21.
Variant type: single nucleotide variant.
Coding change: c.1438G>A on transcript NM_015164.4 (MANE Select); coding-DNA position 1438, G replaced by A.
Protein change: p.Gly480Ser; replaces glycine 480 with serine.
Molecular consequence: missense variant.
Genome position (GRCh38, 1-based): chr1:15,727,510, G>A. VCF-style: chr1-15727510-G-A. GRCh37 (hg19) VCF-style: chr1-16054005-G-A.
Other names: short protein forms G480S.
Identifiers: ClinVar variation 567383 (VCV000567383.11), dbSNP rs376758113, ClinGen allele CA616939.